The following is an entry in ClinVar:

NM_000744.7(CHRNA4):c.384-3C>T

Gene: CHRNA4 (cholinergic receptor nicotinic alpha 4 subunit; minus strand). Cytogenetic location: 20q13.33.
Variant type: single nucleotide variant.
Coding change: c.384-3C>T on transcript NM_000744.7 (MANE Select); 3 bases into the intron before coding-DNA position 384, C replaced by T.
Molecular consequence: intron variant.
Genome position (GRCh38, 1-based): chr20:63,351,030, G>A on the plus strand (C>T on the coding strand, the complement: CHRNA4 is on the minus strand). VCF-style: chr20-63351030-G-A. GRCh37 (hg19) VCF-style: chr20-61982382-G-A.
Other names: c.-145-3C>T (NM_001256573.2).
Identifiers: ClinVar variation 3702361 (VCV003702361.2).
Genomic context (GRCh38, chr20:63,351,030, plus strand): 5'-CCCGTCATGGAACAGGTGGGCCTTGGTCAGGTGGGTGACCGCGAAGTCCCCGTCAGCACT[G>A]GGCAGGAAGAGAGCGAAGGGTGTGAGACCCCCACATCCATGCCCACGTCCACACCCACGC-3'

ClinVar aggregate classification (germline): Uncertain significance (1 of 4 stars; one submission).

Conditions:
Familial sleep-related hypermotor epilepsy. Also called: Autosomal Dominant Sleep-Related Hypermotor (Hyperkinetic) Epilepsy. Identifiers: Orphanet 98784, MedGen C3696898, MONDO:0000030.

gnomAD v4.1: 3 of 1,611,294 alleles (0.00019%); highest among the groups gnomAD compares: Admixed American, 0.0017%; no homozygotes.

Submission:

Labcorp Genetics (formerly Invitae), Labcorp
Classification: Uncertain significance. Last evaluated: 2024-11-15. Review status: criteria provided, single submitter. Criteria: Invitae Variant Classification Sherloc (09022015). Collection method: clinical testing. Allele origin: germline.
Comment: This sequence change falls in intron 4 of the CHRNA4 gene. It does not directly change the encoded amino acid sequence of the CHRNA4 protein. It affects a nucleotide within the consensus splice site. This variant is not present in population databases (gnomAD no frequency). This variant has not been reported in the literature in individuals affected with CHRNA4-related conditions. Variants that disrupt the consensus splice site are a relatively common cause of aberrant splicing (PMID: 17576681, 9536098). Algorithms developed to predict the effect of sequence changes on RNA splicing suggest that this variant is not likely to affect RNA splicing. In summary, the available evidence is currently insufficient to determine the role of this variant in disease. Therefore, it has been classified as a Variant of Uncertain Significance.

Literature cited by the submitters: PubMed 17576681; PubMed 9536098.